The following is an entry in ClinVar:

ClinVar aggregate classification (germline): Conflicting classifications of pathogenicity. Review status: criteria provided, conflicting classifications (1 of 4 stars). 3 submissions from 3 submitters: Uncertain significance (1); Likely benign (2). Last evaluated 2026-06-29.

Conditions:
Familial thoracic aortic aneurysm and aortic dissection (TAAD). Also called: Thoracic aortic aneurysms and dissections. Identifiers: Orphanet 91387, MedGen C4707243, MONDO:0019625.
Ehlers-Danlos syndrome, kyphoscoliotic type 1 (EDSKSCL1). Also called: Ehlers-Danlos syndrome, hydroxylysine-deficient; EHLERS-DANLOS SYNDROME, OCULAR-SCOLIOTIC TYPE; PLOD1-Related Kyphoscoliotic Ehlers-Danlos Syndrome; EHLERS-DANLOS SYNDROME, TYPE VIA. Identifiers: Orphanet 1900, MedGen C0268342, MONDO:0016002, OMIM 225400. Disease mechanism: loss of function.

Allele frequency attached by ClinVar (database versions not stated): gnomAD exomes 0.00006; TOPMed 0.00006; ExAC 0.00007; gnomAD 0.00007; 1000 Genomes Project 30x 0.00016.
gnomAD v4.1: 152 of 1,613,994 alleles (0.0094%); highest among the groups gnomAD compares: Non-Finnish European, 0.012%; no homozygotes.

Submissions (3):

Women's Health and Genetics/Laboratory Corporation of America, LabCorp
Classification: Likely benign. Last evaluated: 2026-06-29. Review status: criteria provided, single submitter. Criteria: LabCorp Variant Classification Summary - May 2015. Collection method: clinical testing. Allele origin: germline.

Labcorp Genetics (formerly Invitae), Labcorp
Classification: Likely benign for Ehlers-Danlos syndrome, kyphoscoliotic type 1. Last evaluated: 2025-09-28. Review status: criteria provided, single submitter. Criteria: Invitae Variant Classification Sherloc (09022015). Collection method: clinical testing. Allele origin: germline.

Ambry Genetics
Classification: Uncertain significance for Familial thoracic aortic aneurysm and aortic dissection. Last evaluated: 2024-02-09. Review status: criteria provided, single submitter. Criteria: Ambry Variant Classification Scheme 2023. Collection method: clinical testing. Allele origin: germline.
Comment: The c.1903-5T>A intronic variant results from a T to A substitution 5 nucleotides upstream from coding exon 18 in the PLOD1 gene. This nucleotide position is poorly conserved in available vertebrate species. In silico splice site analysis predicts that this alteration will not have any significant effect on splicing. Since supporting evidence is limited at this time, the clinical significance of this alteration remains unclear.

NM_000302.4(PLOD1):c.1903-5T>A

Gene: PLOD1 (procollagen-lysine,2-oxoglutarate 5-dioxygenase 1; plus strand). Cytogenetic location: 1p36.22.
Variant type: single nucleotide variant.
Coding change: c.1903-5T>A on transcript NM_000302.4 (MANE Select); 5 bases into the intron before coding-DNA position 1903, T replaced by A.
Molecular consequence: intron variant.
Genome position (GRCh38, 1-based): chr1:11,972,867, T>A. VCF-style: chr1-11972867-T-A. GRCh37 (hg19) VCF-style: chr1-12032924-T-A.
Other names: c.2044-5T>A (NM_001316320.2).
Identifiers: ClinVar variation 704530 (VCV000704530.14), dbSNP rs776128914, ClinGen allele CA598613.